The following is an entry in ClinVar:

NM_012210.4(TRIM32):c.1383C>T (p.Cys461=)

Genes: ASTN2 (astrotactin 2; minus strand), TRIM32 (tripartite motif containing 32; plus strand). Cytogenetic location: 9q33.1.
Variant type: single nucleotide variant.
Coding change: c.1383C>T on transcript NM_012210.4 (MANE Select); coding-DNA position 1383, C replaced by T.
Protein change: p.Cys461=; no amino-acid change (cysteine 461 retained).
Molecular consequence: synonymous variant. On other transcripts: intron variant (3).
Genome position (GRCh38, 1-based): chr9:116,699,125, C>T. VCF-style: chr9-116699125-C-T. GRCh37 (hg19) VCF-style: chr9-119461404-C-T.
Other names: c.1383C>T, p.Cys461= (NM_001099679.2, NM_001379048.1, NM_001379049.1 and 1 more transcripts); c.2653+26646G>A (NM_014010.5); c.2794+26646G>A (NM_001365069.1); c.2806+26646G>A (NM_001365068.1).
Identifiers: ClinVar variation 913170 (VCV000913170.35), dbSNP rs200244154, ClinGen allele CA5211137.

ClinVar aggregate classification (germline): Conflicting classifications of pathogenicity. Review status: criteria provided, conflicting classifications (1 of 4 stars). 6 submissions from 5 submitters: Uncertain significance (2); Likely benign (3). 1 of the submissions does not count toward it. Last evaluated 2025-07-11.

Conditions:
TRIM32-related disorder. Also called: TRIM32-related condition.
Bardet-Biedl syndrome (BBS). Identifiers: Orphanet 110, MedGen C0752166, MONDO:0015229.
Sarcotubular myopathy (LGMDR8). Also called: Limb-girdle muscular dystrophy, type 2H; Hutterite type of muscular dystrophy; MUSCULAR DYSTROPHY, LIMB-GIRDLE, AUTOSOMAL RECESSIVE 8; Autosomal recessive limb-girdle muscular dystrophy type 2H. Identifiers: Orphanet 1878, MedGen C0270968, MONDO:0009683, OMIM 254110.
Bardet-Biedl syndrome 11 (BBS11). Identifiers: Orphanet 110, MedGen C1859569, MONDO:0014439, OMIM 615988.

Allele frequency attached by ClinVar (database versions not stated): ExAC 0.00001; gnomAD 0.00001; TOPMed 0.00002; gnomAD exomes 0.00003 and 0.00004.
gnomAD v4.1: 43 of 1,614,162 alleles (0.0027%); highest among the groups gnomAD compares: East Asian, 0.0067%; no homozygotes.

Submissions (6):

Labcorp Genetics (formerly Invitae), Labcorp
Classification: Likely benign for Bardet-Biedl syndrome. Last evaluated: 2025-07-11. Review status: criteria provided, single submitter. Criteria: Invitae Variant Classification Sherloc (09022015). Collection method: clinical testing. Allele origin: germline.

Blueprint Genetics
Classification: Likely benign. Last evaluated: 2024-05-24. Review status: criteria provided, single submitter. Criteria: ACMG Guidelines, 2015. Collection method: clinical testing. Allele origin: germline.

CeGaT Center for Human Genetics Tuebingen
Classification: Likely benign. Last evaluated: 2024-03-01. Review status: criteria provided, single submitter. Criteria: CeGaT Center For Human Genetics Tuebingen Variant Classification Criteria Version 2. Collection method: clinical testing. Allele origin: germline. Affected: yes. Observed: 1 variant allele.
Comment: TRIM32: BP4, BP7

Illumina Laboratory Services, Illumina
Classification: Uncertain significance for Bardet-Biedl syndrome 11. Last evaluated: 2018-01-12. Review status: criteria provided, single submitter. Criteria: ICSL Variant Classification Criteria 13 December 2019. Collection method: clinical testing. Allele origin: germline.

Illumina Laboratory Services, Illumina
Classification: Uncertain significance for Sarcotubular myopathy. Last evaluated: 2018-01-12. Review status: criteria provided, single submitter. Criteria: ICSL Variant Classification Criteria 13 December 2019. Collection method: clinical testing. Allele origin: germline.

PreventionGenetics, part of Exact Sciences
Classification: Likely benign for TRIM32-related condition. Last evaluated: 2020-01-17. Review status: no assertion criteria provided. Collection method: clinical testing. Allele origin: germline. Not counted in ClinVar's aggregate classification.
Comment: This variant is classified as likely benign based on ACMG/AMP sequence variant interpretation guidelines (Richards et al. 2015 PMID: 25741868, with internal and published modifications).